The following is an entry in ClinVar:

ClinVar aggregate classification (germline): Uncertain significance (1 of 4 stars; one submission).

Submission:

GeneDx
Classification: Uncertain significance. Last evaluated: 2024-12-20. Review status: criteria provided, single submitter. Criteria: GeneDx Variant Classification Process June 2021. Collection method: clinical testing. Allele origin: germline. Affected: yes.
Comment: Not observed at significant frequency in large population cohorts (gnomAD); In silico analysis supports that this missense variant has a deleterious effect on protein structure/function; Has not been previously published as pathogenic or benign to our knowledge

NM_080680.3(COL11A2):c.3422G>T (p.Gly1141Val)

Gene: COL11A2 (collagen type XI alpha 2 chain; minus strand). Cytogenetic location: 6p21.32.
Variant type: single nucleotide variant.
Coding change: c.3422G>T on transcript NM_080680.3 (MANE Select); coding-DNA position 3422, G replaced by T.
Protein change: p.Gly1141Val; replaces glycine 1141 with valine.
Molecular consequence: missense variant.
Genome position (GRCh38, 1-based): chr6:33,170,862, C>A on the plus strand (G>T on the coding strand, the complement: COL11A2 is on the minus strand). VCF-style: chr6-33170862-C-A. GRCh37 (hg19) VCF-style: chr6-33138639-C-A.
Other names: c.3242G>T, p.Gly1081Val (NM_001424108.1); c.2576G>T, p.Gly859Val (NM_001424109.1); c.2396G>T, p.Gly799Val (NM_001424110.1, NM_001424111.1); c.1376G>T, p.Gly459Val (NM_001424112.1); c.3101G>T, p.Gly1034Val (NM_080679.3); c.3164G>T, p.Gly1055Val (NM_080681.3); short protein forms G1034V, G1055V, G1081V, G1141V, G459V, G799V, G859V.
Identifiers: ClinVar variation 3906719 (VCV003906719.1).
Genomic context (GRCh38, chr6:33,170,862, plus strand): 5'-CAACACACCTGTAGGCCAATGGGTCCTGGGGGCCCATTGAATCCTCTTGTTCCTTCATCA[C>A]CTTTGGCTCCAAAGTGTCCCTGGGGTCCCCGAGCTCCGGGCTCCCCATCTGCTCCCTGCA-3'
Protein context (NP_542411.2, residues 1131-1151): RGPQGHFGAK[Gly1141Val]DEGTRGFNGP